The following is an entry in ClinVar:

NM_130837.3(OPA1):c.949-1G>A

Gene: OPA1 (OPA1 mitochondrial dynamin like GTPase; plus strand). Cytogenetic location: 3q29.
Variant type: single nucleotide variant.
Coding change: c.949-1G>A on transcript NM_130837.3 (MANE Select); the canonical splice acceptor site of the intron before coding-DNA position 949, G replaced by A.
Molecular consequence: splice acceptor variant.
Genome position (GRCh38, 1-based): chr3:193,637,194, G>A. VCF-style: chr3-193637194-G-A. GRCh37 (hg19) VCF-style: chr3-193354983-G-A.
Other names: c.412-1G>A (NM_001354664.2); c.415-1G>A (NM_001354663.2); c.838-1G>A (NM_130834.3); c.895-1G>A (NM_130836.3); c.784-1G>A (NM_015560.3); c.841-1G>A (NM_130835.3); c.730-1G>A (NM_130832.3); c.787-1G>A (NM_130833.3); and 1 more.
Identifiers: ClinVar variation 2203474 (VCV002203474.6), dbSNP rs1733081846, ClinGen allele CA355787910.
Genomic context (GRCh38, chr3:193,637,194, plus strand): 5'-CTGTTATATTTTTTTCTTTACTTTTACTGTTTTATATTATAACTTTTTAAAATTTTTACA[G>A]AAATCTTTGATTGACATGTATTCTGAAGTTCTTGATGTTCTCTCTGATTATGATGCCAGT-3'

ClinVar aggregate classification (germline): Pathogenic. Review status: criteria provided, multiple submitters, no conflicts (2 of 4 stars). 3 submissions from 3 submitters: Pathogenic (2). 1 of the submissions does not count toward it. Last evaluated 2025-09-08.

Conditions:
Optic atrophy. Identifiers: MedGen C0029124, MONDO:0003608, HP:0000648.
OPA1-related disorder. Also called: OPA1-related disorders; OPA1-related condition.

Submissions (3):

Labcorp Genetics (formerly Invitae), Labcorp
Classification: Pathogenic. Last evaluated: 2025-09-08. Review status: criteria provided, single submitter. Criteria: Invitae Variant Classification Sherloc (09022015). Collection method: clinical testing. Allele origin: germline.
Comment: This sequence change affects an acceptor splice site in intron 7 of the OPA1 gene. It is expected to disrupt RNA splicing. Variants that disrupt the donor or acceptor splice site typically lead to a loss of protein function (PMID: 16199547), and loss-of-function variants in OPA1 are known to be pathogenic (PMID: 11440988, 20157015, 20952381, 25012220). This variant is not present in population databases (gnomAD no frequency). Disruption of this splice site has been observed in individuals with autosomal dominant optic atrophy and/or OPA1-related conditions (PMID: 19319978, 24883014, 27860320, 34242285). ClinVar contains an entry for this variant (Variation ID: 2203474). Algorithms developed to predict the effect of sequence changes on RNA splicing suggest that this variant may disrupt the consensus splice site. For these reasons, this variant has been classified as Pathogenic.

Blueprint Genetics
Classification: Pathogenic for OPA1-related disorders. Last evaluated: 2023-10-26. Review status: criteria provided, single submitter. Criteria: ACMG Guidelines, 2015. Collection method: clinical testing. Allele origin: germline. Affected: yes. Observed: 1 variant allele.

Institute of Human Genetics, Univ. Regensburg, Univ. Regensburg
Classification: Pathogenic for Optic atrophy. Last evaluated: 2013-01-01. Review status: no assertion criteria provided. Criteria: ACMG Guidelines, 2015. Collection method: clinical testing. Allele origin: germline. Affected: yes. Not counted in ClinVar's aggregate classification.

Literature cited by the submitters: PubMed 16199547 (cited by Labcorp Genetics (formerly Invitae), Labcorp); PubMed 11440988 (cited by Labcorp Genetics (formerly Invitae), Labcorp); PubMed 20157015 (cited by Labcorp Genetics (formerly Invitae), Labcorp); PubMed 20952381 (cited by Labcorp Genetics (formerly Invitae), Labcorp); PubMed 25012220 (cited by Labcorp Genetics (formerly Invitae), Labcorp); PubMed 19319978 (cited by Labcorp Genetics (formerly Invitae), Labcorp); PubMed 24883014 (cited by Labcorp Genetics (formerly Invitae), Labcorp); PubMed 27860320 (cited by Labcorp Genetics (formerly Invitae), Labcorp); PubMed 34242285 (cited by Labcorp Genetics (formerly Invitae), Labcorp).